The following is an entry in ClinVar:

ClinVar aggregate classification (germline): Uncertain significance. Review status: criteria provided, multiple submitters, no conflicts (2 of 4 stars). 2 submissions from 2 submitters: Uncertain significance (2). Last evaluated 2025-08-02.

Conditions:
Hereditary cancer-predisposing syndrome. Also called: Neoplastic Syndromes, Hereditary; Hereditary neoplastic syndrome; Tumor predisposition; Hereditary Cancer Syndrome. Identifiers: Orphanet 140162, MedGen C0027672, MeSH D009386, MONDO:0015356.
Gastrointestinal stromal tumor. Also called: Gastrointestinal stromal tumor, somatic; Gastrointestinal stroma tumor. Identifiers: Orphanet 44890, MedGen C0238198, MeSH D046152, MONDO:0011719, OMIM 606764, HP:0100723.

Allele frequency attached by ClinVar (database versions not stated): gnomAD exomes below 0.00001.
gnomAD v4.1: 2 of 1,612,830 alleles (0.00012%); highest among the groups gnomAD compares: South Asian, 0.0022%; no homozygotes.

Submissions (2):

Ambry Genetics
Classification: Uncertain significance for Hereditary cancer-predisposing syndrome. Last evaluated: 2025-08-02. Review status: criteria provided, single submitter. Criteria: Ambry Variant Classification Scheme 2023. Collection method: clinical testing. Allele origin: germline.
Comment: The p.M900I variant (also known as c.2700G>A), located in coding exon 19 of the PDGFRA gene, results from a G to A substitution at nucleotide position 2700. The methionine at codon 900 is replaced by isoleucine, an amino acid with highly similar properties. This amino acid position is conserved. In addition, this alteration is predicted to be tolerated by in silico analysis. Based on the available evidence, the clinical significance of this variant remains unclear.

Labcorp Genetics (formerly Invitae), Labcorp
Classification: Uncertain significance for Gastrointestinal stromal tumor. Last evaluated: 2023-11-10. Review status: criteria provided, single submitter. Criteria: Invitae Variant Classification Sherloc (09022015). Collection method: clinical testing. Allele origin: germline.
Comment: This sequence change replaces methionine, which is neutral and non-polar, with isoleucine, which is neutral and non-polar, at codon 900 of the PDGFRA protein (p.Met900Ile). This variant is not present in population databases (gnomAD no frequency). This variant has not been reported in the literature in individuals affected with PDGFRA-related conditions. Advanced modeling of protein sequence and biophysical properties (such as structural, functional, and spatial information, amino acid conservation, physicochemical variation, residue mobility, and thermodynamic stability) performed at Invitae indicates that this missense variant is not expected to disrupt PDGFRA protein function with a negative predictive value of 80%. In summary, the available evidence is currently insufficient to determine the role of this variant in disease. Therefore, it has been classified as a Variant of Uncertain Significance.

NM_006206.6(PDGFRA):c.2700G>A (p.Met900Ile)

Gene: PDGFRA (platelet derived growth factor receptor alpha; plus strand). Cytogenetic location: 4q12.
Variant type: single nucleotide variant.
Coding change: c.2700G>A on transcript NM_006206.6 (MANE Select); coding-DNA position 2700, G replaced by A.
Protein change: p.Met900Ile; replaces methionine 900 with isoleucine.
Molecular consequence: missense variant.
Genome position (GRCh38, 1-based): chr4:54,288,824, G>A. VCF-style: chr4-54288824-G-A. GRCh37 (hg19) VCF-style: chr4-55154991-G-A.
Other names: c.2775G>A, p.Met925Ile (NM_001347828.2); c.2700G>A, p.Met900Ile (NM_001347829.2); c.2739G>A, p.Met913Ile (NM_001347830.2); short protein forms M900I, M925I, M913I.
Identifiers: ClinVar variation 2694658 (VCV002694658.4), dbSNP rs2110344493, ClinGen allele CA356895452.
Genomic context (GRCh38, chr4:54,288,824, plus strand): 5'-TTGTTAGTCCTGGTGTTTTATTGTTTGGCTTTTAGGTGGCACCCCTTACCCCGGCATGAT[G>A]GTGGATTCTACTTTCTACAATAAGATCAAGAGTGGGTACCGGATGGCCAAGCCTGACCAC-3'
Protein context (NP_006197.1, residues 890-910): SLGGTPYPGM[Met900Ile]VDSTFYNKIK